The following is an entry in ClinVar:

NM_001308120.2(TOGARAM1):c.360G>A (p.Leu120=)

Gene: TOGARAM1 (TOG array regulator of axonemal microtubules 1; plus strand). Cytogenetic location: 14q21.2.
Variant type: single nucleotide variant.
Coding change: c.360G>A on transcript NM_001308120.2 (MANE Select); coding-DNA position 360, G replaced by A.
Protein change: p.Leu120=; no amino-acid change (leucine 120 retained).
Molecular consequence: synonymous variant. On other transcripts: non-coding transcript variant (1).
Genome position (GRCh38, 1-based): chr14:44,962,781, G>A. VCF-style: chr14-44962781-G-A. GRCh37 (hg19) VCF-style: chr14-45431984-G-A.
Other names: c.360G>A, p.Leu120= (NM_015091.4).
Identifiers: ClinVar variation 4085924 (VCV004085924.8).

ClinVar aggregate classification (germline): Likely benign (1 of 4 stars; one submission).

Submission:

CeGaT Center for Human Genetics Tuebingen
Classification: Likely benign. Last evaluated: 2025-08-01. Review status: criteria provided, single submitter. Criteria: CeGaT Center For Human Genetics Tuebingen Variant Classification Criteria Version 2. Collection method: clinical testing. Allele origin: germline. Affected: yes. Observed: 1 variant allele.
Comment: TOGARAM1: PM2:Supporting, BP4, BP7